The following is an entry in ClinVar:

ClinVar aggregate classification (germline): Uncertain significance (1 of 4 stars; one submission).

Conditions:
Charcot-Marie-Tooth disease, type I (CMT1). Also called: Charcot-Marie-Tooth, Type 1; Charcot-Marie-Tooth disease type 1. Identifiers: Orphanet 65753, MedGen C0751036, MONDO:0019011.

Allele frequency attached by ClinVar (database versions not stated): gnomAD exomes below 0.00001.
gnomAD v4.1: 2 of 1,613,828 alleles (0.00012%); highest among the groups gnomAD compares: Non-Finnish European, 0.00017%; no homozygotes.

Submission:

Labcorp Genetics (formerly Invitae), Labcorp
Classification: Uncertain significance for Charcot-Marie-Tooth disease, type I. Last evaluated: 2023-02-11. Review status: criteria provided, single submitter. Criteria: Invitae Variant Classification Sherloc (09022015). Collection method: clinical testing. Allele origin: germline.
Comment: In summary, the available evidence is currently insufficient to determine the role of this variant in disease. Therefore, it has been classified as a Variant of Uncertain Significance. Advanced modeling of protein sequence and biophysical properties (such as structural, functional, and spatial information, amino acid conservation, physicochemical variation, residue mobility, and thermodynamic stability) performed at Invitae indicates that this missense variant is not expected to disrupt PMP22 protein function. This variant has not been reported in the literature in individuals affected with PMP22-related conditions. This variant is present in population databases (no rsID available, gnomAD 0.0009%). This sequence change replaces aspartic acid, which is acidic and polar, with asparagine, which is neutral and polar, at codon 37 of the PMP22 protein (p.Asp37Asn).

NM_000304.4(PMP22):c.109G>A (p.Asp37Asn)

Gene: PMP22 (peripheral myelin protein 22; minus strand). Cytogenetic location: 17p12.
Variant type: single nucleotide variant.
Coding change: c.109G>A on transcript NM_000304.4 (MANE Select); coding-DNA position 109, G replaced by A.
Protein change: p.Asp37Asn; replaces aspartic acid 37 with asparagine.
Molecular consequence: missense variant. On other transcripts: non-coding transcript variant (1).
Genome position (GRCh38, 1-based): chr17:15,259,163, C>T on the plus strand (G>A on the coding strand, the complement: PMP22 is on the minus strand). VCF-style: chr17-15259163-C-T. GRCh37 (hg19) VCF-style: chr17-15162480-C-T.
Other names: c.109G>A, p.Asp37Asn (NM_001281455.2, NM_001281456.2, NM_001330143.2 and 2 more transcripts); short protein forms D37N.
Identifiers: ClinVar variation 2008328 (VCV002008328.4), dbSNP rs1444447898, ClinGen allele CA398271067.